The following is an entry in ClinVar:

NM_015215.4(CAMTA1):c.3757T>A (p.Phe1253Ile)

Genes: CAMTA1 (calmodulin binding transcription activator 1; plus strand), LOC126805603 (CDK7 strongly-dependent group 2 enhancer GRCh37_chr1:7798026-7799225; plus strand). Cytogenetic location: 1p36.23.
Variant type: single nucleotide variant.
Coding change: c.3757T>A on transcript NM_015215.4 (MANE Select); coding-DNA position 3757, T replaced by A.
Protein change: p.Phe1253Ile; replaces phenylalanine 1253 with isoleucine.
Molecular consequence: missense variant. On other transcripts: intron variant (13).
Genome position (GRCh38, 1-based): chr1:7,738,057, T>A. VCF-style: chr1-7738057-T-A. GRCh37 (hg19) VCF-style: chr1-7798117-T-A.
Other names: c.3667T>A, p.Phe1223Ile (NM_001349608.2); c.886T>A, p.Phe296Ile (NM_001349613.1); c.829T>A, p.Phe277Ile (NM_001349614.1, NM_001349615.2, NM_001349616.2 and 2 more transcripts); c.3659-241T>A (NM_001349609.2, NM_001349610.2, NM_001410737.1); c.3587-241T>A (NM_001410738.1); c.3569-241T>A (NM_001349612.2); c.731-241T>A (NM_001349620.1, NM_001349621.1, NM_001349625.2 and 5 more transcripts); short protein forms F1223I, F1253I, F277I, F296I.
Identifiers: ClinVar variation 2578241 (VCV002578241.1), dbSNP rs2523233615, ClinGen allele CA338131936.

ClinVar aggregate classification (germline): Uncertain significance (1 of 4 stars; one submission).

Submission:

GeneDx
Classification: Uncertain significance. Last evaluated: 2023-03-01. Review status: criteria provided, single submitter. Criteria: GeneDx Variant Classification Process June 2021. Collection method: clinical testing. Allele origin: germline. Affected: yes.
Comment: Not observed at significant frequency in large population cohorts (gnomAD); In silico analysis supports that this missense variant does not alter protein structure/function; Has not been previously published as pathogenic or benign to our knowledge